The following is an entry in ClinVar:

ClinVar aggregate classification (germline): Benign/Likely benign. Review status: criteria provided, multiple submitters, no conflicts (2 of 4 stars). 4 submissions from 4 submitters: Benign (1); Likely benign (2). 1 of the submissions does not count toward it. Last evaluated 2026-02-02.

Conditions:
Spondylocostal dysostosis 2, autosomal recessive (SCDO2). Also called: MESP2-Related Spondylocostal Dysostosis, Autosomal Recessive; Spondylocostal dysostosis type 2. Identifiers: Orphanet 2311, MedGen C1837549, MONDO:0012097, OMIM 608681.

Allele frequency attached by ClinVar (database versions not stated): ESP Exome Variant Server 0.00562; 1000 Genomes Project 30x 0.01187; 1000 Genomes Project 0.01198; TOPMed 0.01310.

Submissions (4):

Labcorp Genetics (formerly Invitae), Labcorp
Classification: Benign. Last evaluated: 2026-02-02. Review status: criteria provided, single submitter. Criteria: Invitae Variant Classification Sherloc (09022015). Collection method: clinical testing. Allele origin: germline.

Illumina Laboratory Services, Illumina
Classification: Likely benign for Spondylocostal dysostosis 2, autosomal recessive. Last evaluated: 2017-04-27. Review status: criteria provided, single submitter. Criteria: ICSL Variant Classification Criteria 13 December 2019. Collection method: clinical testing. Allele origin: germline.
Comment: This variant was observed as part of a predisposition screen in an ostensibly healthy population. A literature search was performed for the gene, cDNA change, and amino acid change (where applicable). No publications were found based on this search. Allele frequency data from public databases allowed determination this variant is unlikely to cause disease. Therefore, this variant is classified as likely benign.

PreventionGenetics, part of Exact Sciences
Classification: Likely benign. Review status: criteria provided, single submitter. Criteria: ACMG Guidelines, 2015. Collection method: clinical testing. Allele origin: germline.

Natera, Inc.
Classification: Benign for Spondylocostal dysostosis type 2. Last evaluated: 2020-09-16. Review status: no assertion criteria provided. Collection method: clinical testing. Allele origin: germline. Not counted in ClinVar's aggregate classification.

NM_001039958.2(MESP2):c.498C>G (p.Pro166=)

Gene: MESP2 (mesoderm posterior bHLH transcription factor 2; plus strand). Cytogenetic location: 15q26.1.
Variant type: single nucleotide variant.
Coding change: c.498C>G on transcript NM_001039958.2 (MANE Select); coding-DNA position 498, C replaced by G.
Protein change: p.Pro166=; no amino-acid change (proline 166 retained).
Molecular consequence: synonymous variant.
Genome position (GRCh38, 1-based): chr15:89,776,855, C>G. VCF-style: chr15-89776855-C-G. GRCh37 (hg19) VCF-style: chr15-90320086-C-G.
Identifiers: ClinVar variation 257240 (VCV000257240.18), dbSNP rs200336355, ClinGen allele CA7730429.